The following is an entry in ClinVar:

NM_001365536.1(SCN9A):c.3352-7381G>A

Genes: SCN1A-AS1 (SCN1A and SCN9A antisense RNA 1; plus strand), SCN9A (sodium voltage-gated channel alpha subunit 9; minus strand). Cytogenetic location: 2q24.3.
Variant type: single nucleotide variant.
Coding change: c.3352-7381G>A on transcript NM_001365536.1 (MANE Select); 7381 bases into the intron before coding-DNA position 3352, G replaced by A.
Molecular consequence: intron variant.
Genome position (GRCh38, 1-based): chr2:166,259,266, C>T on the plus strand (G>A on the coding strand, the complement: SCN9A is on the minus strand). VCF-style: chr2-166259266-C-T. GRCh37 (hg19) VCF-style: chr2-167115776-C-T.
Other names: c.3319-7381G>A (NM_002977.4).
Identifiers: ClinVar variation 3255235 (VCV003255235.2), dbSNP rs4491742.

ClinVar aggregate classification (germline): Benign (1 of 4 stars; one submission).

Allele frequency attached by ClinVar (database versions not stated): 1000 Genomes Project 30x 0.75547; 1000 Genomes Project 0.76418; TOPMed 0.79349; gnomAD 0.80923; gnomAD exomes 1.00000.
gnomAD v4.1: 122,619 of 151,480 alleles (81%); highest among the groups gnomAD compares: Non-Finnish European, 85%; 50,096 homozygotes.

Submission:

Unidad de Genómica Garrahan, Hospital de Pediatría Garrahan
Classification: Benign. Last evaluated: 2024-07-15. Review status: criteria provided, single submitter. Criteria: ACMG Guidelines, 2015. Collection method: clinical testing. Allele origin: germline. Affected: no. Observed: 77 variant alleles.
Comment: This variant is classified as Benign based on local population frequency. This variant was detected in 83% of patients studied in a panel designed for Epileptic and Developmental Encephalopathy and Progressive Myoclonus Epilepsy. Number of patients: 77. Only high quality variants are reported.